The following is an entry in ClinVar:

NM_000059.4(BRCA2):c.5529_5530insAA (p.Phe1844fs)

Gene: BRCA2 (BRCA2 DNA repair associated; plus strand). Cytogenetic location: 13q13.1.
Variant type: Insertion.
Coding change: c.5529_5530insAA on transcript NM_000059.4 (MANE Select); coding-DNA positions 5529 to 5530, AA inserted.
Protein change: p.Phe1844fs; shifts the reading frame from phenylalanine 1844.
Molecular consequence: frameshift variant. On other transcripts: non-coding transcript variant (1), intron variant (2).
Genome position: GRCh38 VCF-style: chr13-32339883-C-CAA. GRCh37 (hg19) VCF-style: chr13-32914020-C-CAA.
Other names: c.5529_5530insAA, p.Phe1844fs (NM_001406719.1, NM_001406720.1, NM_001432077.1); c.1910-4674_1910-4673insAA (NM_001406721.1); c.425-4674_425-4673insAA (NM_001406722.1); short protein forms F1844fs.
Identifiers: ClinVar variation 3663517 (VCV003663517.2).
Genomic context (GRCh38, chr13:32,339,883, plus strand): 5'-AAAATGCAGCCATTAAATTGTCCATATCTAATAGTAATAATTTTGAGGTAGGGCCACCTG[C>CAA]ATTTAGGATAGCCAGTGGTAAAATCGTTTGTGTTTCACATGAAACAATTAAAAAAGTGAA-3'

ClinVar aggregate classification (germline): Pathogenic (1 of 4 stars; one submission).

Conditions:
Hereditary breast ovarian cancer syndrome. Also called: Hereditary breast and ovarian cancer syndrome; Hereditary breast and/or ovarian cancer syndrome; Hereditary breast and ovarian cancer; Breast and ovarian cancer; Hereditary breast and ovarian cancer syndrome (HBOC); BRCA1- and BRCA2-Associated Hereditary Breast and Ovarian Cancer. Identifiers: Orphanet 145, MedGen C0677776, MeSH D061325, MONDO:0003582. Disease mechanism: loss of function.

Submission:

Labcorp Genetics (formerly Invitae), Labcorp
Classification: Pathogenic for Hereditary breast ovarian cancer syndrome. Last evaluated: 2024-08-27. Review status: criteria provided, single submitter. Criteria: Invitae Variant Classification Sherloc (09022015). Collection method: clinical testing. Allele origin: germline.
Comment: This sequence change creates a premature translational stop signal (p.Phe1844Asnfs*4) in the BRCA2 gene. It is expected to result in an absent or disrupted protein product. Loss-of-function variants in BRCA2 are known to be pathogenic (PMID: 20104584). This variant is not present in population databases (gnomAD no frequency). This variant has not been reported in the literature in individuals affected with BRCA2-related conditions. For these reasons, this variant has been classified as Pathogenic.

Literature cited by the submitters: PubMed 20104584.